The following is an entry in ClinVar:

ClinVar aggregate classification (germline): Likely pathogenic (1 of 4 stars; one submission).

Conditions:
Kabuki syndrome 1 (KABUK1). Also called: KMT2D-Related Kabuki Syndrome. Identifiers: Orphanet 2322, MedGen CN030661, MONDO:0007843, OMIM 147920.

Submission:

3billion
Classification: Likely pathogenic for Kabuki syndrome 1. Last evaluated: 2024-11-25. Review status: criteria provided, single submitter. Criteria: ACMG Guidelines, 2015. Collection method: clinical testing. Allele origin: germline. Affected: yes.
Comment: The variant is not observed in the gnomAD v4.1.0 dataset. Predicted Consequence/Location: Frameshift: predicted to result in a loss or disruption of normal protein function through nonsense-mediated decay (NMD) or protein truncation. Multiple pathogenic variants are reported downstream of the variant. Therefore, this variant is classified as Likely pathogenic according to the recommendation of ACMG/AMP guideline.

NM_003482.4(KMT2D):c.9473dup (p.Ser3159fs)

Gene: KMT2D (lysine methyltransferase 2D; minus strand). Cytogenetic location: 12q13.12.
Variant type: Duplication.
Coding change: c.9473dup on transcript NM_003482.4 (MANE Select); coding-DNA position 9473, one base duplicated (A; older notation c.9473dupA).
Protein change: p.Ser3159fs; shifts the reading frame from serine 3159.
Molecular consequence: frameshift variant.
Genome position (GRCh38, 1-based): chr12:49,037,883, T duplicated on the plus strand (A on the coding strand, the reverse complement: KMT2D is on the minus strand). VCF-style (leftmost placement, unchanged base first): chr12-49037882-C-CT. GRCh37 (hg19) VCF-style: chr12-49431665-C-CT.
Other names: short protein forms S3159fs.
Identifiers: ClinVar variation 4291919 (VCV004291919.1).